The following is an entry in ClinVar:

ClinVar aggregate classification (germline): Conflicting classifications of pathogenicity. Review status: criteria provided, conflicting classifications (1 of 4 stars). 3 submissions from 3 submitters: Uncertain significance (2); Likely benign (1). Last evaluated 2025-06-13.

Conditions:
Inborn genetic diseases. Identifiers: MedGen C0950123, MeSH D030342.
Fanconi anemia (FA). Also called: Fanconi's anemia. Identifiers: Orphanet 84, MedGen C0015625, MeSH D005199, MONDO:0019391.

Allele frequency attached by ClinVar (database versions not stated): gnomAD exomes below 0.00001 and 0.00001; ExAC 0.00001; TOPMed 0.00002; gnomAD 0.00004; ESP Exome Variant Server 0.00008.
gnomAD v4.1: 7 of 1,614,090 alleles (0.00043%); highest among the groups gnomAD compares: African/African-American, 0.0093%; no homozygotes.

Submissions (3):

Labcorp Genetics (formerly Invitae), Labcorp
Classification: Likely benign for Fanconi anemia. Last evaluated: 2025-06-13. Review status: criteria provided, single submitter. Criteria: Invitae Variant Classification Sherloc (09022015). Collection method: clinical testing. Allele origin: germline.

Ambry Genetics
Classification: Uncertain significance for Inborn genetic diseases. Last evaluated: 2025-03-28. Review status: criteria provided, single submitter. Criteria: Ambry Variant Classification Scheme 2023. Collection method: clinical testing. Allele origin: germline.
Comment: The p.S1145N variant (also known as c.3434G>A), located in coding exon 35 of the FANCA gene, results from a G to A substitution at nucleotide position 3434. The serine at codon 1145 is replaced by asparagine, an amino acid with highly similar properties. This amino acid position is conserved. In addition, this alteration is predicted to be tolerated by in silico analysis. Based on the available evidence, the clinical significance of this variant remains unclear.

GeneDx
Classification: Uncertain significance. Last evaluated: 2022-01-18. Review status: criteria provided, single submitter. Criteria: GeneDx Variant Classification Process June 2021. Collection method: clinical testing. Allele origin: germline. Affected: yes.
Comment: In silico analysis supports that this missense variant does not alter protein structure/function; Has not been previously published as pathogenic or benign to our knowledge

NM_000135.4(FANCA):c.3434G>A (p.Ser1145Asn)

Gene: FANCA (FA complementation group A; minus strand). Cytogenetic location: 16q24.3.
Variant type: single nucleotide variant.
Coding change: c.3434G>A on transcript NM_000135.4 (MANE Select); coding-DNA position 3434, G replaced by A.
Protein change: p.Ser1145Asn; replaces serine 1145 with asparagine.
Molecular consequence: missense variant.
Genome position (GRCh38, 1-based): chr16:89,746,663, C>T on the plus strand (G>A on the coding strand, the complement: FANCA is on the minus strand). VCF-style: chr16-89746663-C-T. GRCh37 (hg19) VCF-style: chr16-89813071-C-T.
Other names: c.3434G>A, p.Ser1145Asn (NM_001286167.3); short protein forms S1145N.
Identifiers: ClinVar variation 1380383 (VCV001380383.9), dbSNP rs375630115, ClinGen allele CA8251151.